The following is an entry in ClinVar:

NM_001382430.1(AKT1):c.1088T>C (p.Met363Thr)

Gene: AKT1 (AKT serine/threonine kinase 1; minus strand). Cytogenetic location: 14q32.33.
Variant type: single nucleotide variant.
Coding change: c.1088T>C on transcript NM_001382430.1 (MANE Select); coding-DNA position 1088, T replaced by C.
Protein change: p.Met363Thr; replaces methionine 363 with threonine.
Molecular consequence: missense variant.
Genome position (GRCh38, 1-based): chr14:104,772,962, A>G on the plus strand (T>C on the coding strand, the complement: AKT1 is on the minus strand). VCF-style: chr14-104772962-A-G. GRCh37 (hg19) VCF-style: chr14-105239299-A-G.
Other names: c.1088T>C, p.Met363Thr (NM_001014431.2, NM_001014432.2, NM_001382431.1 and 3 more transcripts); short protein forms M363T.
Identifiers: ClinVar variation 1002469 (VCV001002469.11), dbSNP rs1892478123, ClinGen allele CA391216870.

ClinVar aggregate classification (germline): Uncertain significance. Review status: criteria provided, multiple submitters, no conflicts (2 of 4 stars). 2 submissions from 2 submitters: Uncertain significance (2). Last evaluated 2024-09-18.

Conditions:
Inborn genetic diseases. Identifiers: MedGen C0950123, MeSH D030342.
Cowden syndrome 6 (CWS6). Identifiers: Orphanet 201, MedGen C3554519, MONDO:0014048, OMIM 615109.

Allele frequency attached by ClinVar (database versions not stated): gnomAD below 0.00001 and 0.00001.
gnomAD v4.1: 1 of 1,614,006 alleles (0.000062%); highest among the groups gnomAD compares: South Asian, 0.0011%; no homozygotes.

Submissions (2):

Ambry Genetics
Classification: Uncertain significance for Inborn genetic diseases. Last evaluated: 2024-09-18. Review status: criteria provided, single submitter. Criteria: Ambry Variant Classification Scheme 2023. Collection method: clinical testing. Allele origin: germline.
Comment: The p.M363T variant (also known as c.1088T>C), located in coding exon 10 of the AKT1 gene, results from a T to C substitution at nucleotide position 1088. The methionine at codon 363 is replaced by threonine, an amino acid with similar properties. This amino acid position is conserved. In addition, this alteration is predicted to be tolerated by in silico analysis. Based on the available evidence, the clinical significance of this variant remains unclear.

Labcorp Genetics (formerly Invitae), Labcorp
Classification: Uncertain significance for Cowden syndrome 6. Last evaluated: 2022-08-22. Review status: criteria provided, single submitter. Criteria: Invitae Variant Classification Sherloc (09022015). Collection method: clinical testing. Allele origin: germline.
Comment: In summary, the available evidence is currently insufficient to determine the role of this variant in disease. Therefore, it has been classified as a Variant of Uncertain Significance. Algorithms developed to predict the effect of missense changes on protein structure and function are either unavailable or do not agree on the potential impact of this missense change (SIFT: "Tolerated"; PolyPhen-2: "Possibly Damaging"; Align-GVGD: "Class C0"). ClinVar contains an entry for this variant (Variation ID: 1002469). This variant has not been reported in the literature in individuals affected with AKT1-related conditions. This variant is not present in population databases (gnomAD no frequency). This sequence change replaces methionine, which is neutral and non-polar, with threonine, which is neutral and polar, at codon 363 of the AKT1 protein (p.Met363Thr).